The following is an entry in ClinVar:

NM_001042492.3(NF1):c.3646_3647dup (p.Asp1217fs)

Gene: NF1 (neurofibromin 1; plus strand). Cytogenetic location: 17q11.2.
Variant type: Duplication.
Coding change: c.3646_3647dup on transcript NM_001042492.3 (MANE Select); coding-DNA positions 3646 to 3647, 2 bases duplicated (GG; older notation c.3646_3647dupGG).
Protein change: p.Asp1217fs; shifts the reading frame from aspartic acid 1217.
Molecular consequence: frameshift variant.
Genome position (GRCh38, 1-based): chr17:31,233,151-31,233,152, GG duplicated; duplicating any 2 consecutive bases within chr17:31,233,150-31,233,152 gives the same sequence; the c. name uses the placement nearest the transcript's 3' end. VCF-style (leftmost placement, unchanged base first): chr17-31233149-T-TGG. GRCh37 (hg19) VCF-style: chr17-29560167-T-TGG.
Other names: c.3646_3647dup, p.Asp1217Valfs (NM_000267.4); short protein forms D1217fs.
Identifiers: ClinVar variation 3662685 (VCV003662685.2).

ClinVar aggregate classification (germline): Pathogenic (1 of 4 stars; one submission).

Conditions:
Neurofibromatosis, type 1 (NF1). Also called: Peripheral type neurofibromatosis; VON RECKLINGHAUSEN DISEASE; NEUROFIBROMATOSIS, TYPE I, SOMATIC; Neurofibromatosis, type I. Identifiers: Orphanet 636, MedGen C0027831, MONDO:0018975, OMIM 162200. Disease mechanism: loss of function.

Submission:

Labcorp Genetics (formerly Invitae), Labcorp
Classification: Pathogenic for Neurofibromatosis, type 1. Last evaluated: 2024-08-17. Review status: criteria provided, single submitter. Criteria: Invitae Variant Classification Sherloc (09022015). Collection method: clinical testing. Allele origin: germline.
Comment: This sequence change creates a premature translational stop signal (p.Asp1217Valfs*8) in the NF1 gene. It is expected to result in an absent or disrupted protein product. Loss-of-function variants in NF1 are known to be pathogenic (PMID: 10712197, 23913538). This variant is not present in population databases (gnomAD no frequency). This variant has not been reported in the literature in individuals affected with NF1-related conditions. For these reasons, this variant has been classified as Pathogenic.

Literature cited by the submitters: PubMed 10712197; PubMed 23913538.